The following is an entry in ClinVar:

ClinVar aggregate classification (germline): Uncertain significance (1 of 4 stars; one submission).

Conditions:
T-cell immunodeficiency, congenital alopecia, and nail dystrophy. Also called: Congenital alopecia and nail dystrophy associated with severe functional T-cell immunodeficiency; Pignata Guarino syndrome. Identifiers: Orphanet 169095, MedGen C1866426, MONDO:0011132, OMIM 601705.

gnomAD v4.1: 3 of 1,614,036 alleles (0.00019%); highest among the groups gnomAD compares: Middle Eastern, 0.016%; no homozygotes.

Submission:

Labcorp Genetics (formerly Invitae), Labcorp
Classification: Uncertain significance for T-cell immunodeficiency, congenital alopecia, and nail dystrophy. Last evaluated: 2025-07-21. Review status: criteria provided, single submitter. Criteria: Invitae Variant Classification Sherloc (09022015). Collection method: clinical testing. Allele origin: germline.
Comment: This sequence change replaces leucine, which is neutral and non-polar, with phenylalanine, which is neutral and non-polar, at codon 554 of the FOXN1 protein (p.Leu554Phe). This variant is present in population databases (no rsID available, gnomAD no frequency). This variant has not been reported in the literature in individuals affected with FOXN1-related conditions. Invitae Evidence Modeling of protein sequence and biophysical properties (such as structural, functional, and spatial information, amino acid conservation, physicochemical variation, residue mobility, and thermodynamic stability) indicates that this missense variant is not expected to disrupt FOXN1 protein function with a negative predictive value of 80%. In summary, the available evidence is currently insufficient to determine the role of this variant in disease. Therefore, it has been classified as a Variant of Uncertain Significance.

NM_001369369.1(FOXN1):c.1662G>T (p.Leu554Phe)

Gene: FOXN1 (forkhead box N1; plus strand). Cytogenetic location: 17q11.2.
Variant type: single nucleotide variant.
Coding change: c.1662G>T on transcript NM_001369369.1 (MANE Select); coding-DNA position 1662, G replaced by T.
Protein change: p.Leu554Phe; replaces leucine 554 with phenylalanine.
Molecular consequence: missense variant.
Genome position (GRCh38, 1-based): chr17:28,537,151, G>T. VCF-style: chr17-28537151-G-T. GRCh37 (hg19) VCF-style: chr17-26864169-G-T.
Other names: c.1662G>T, p.Leu554Phe (NM_003593.3); short protein forms L554F.
Identifiers: ClinVar variation 4706402 (VCV004706402.1).
Genomic context (GRCh38, chr17:28,537,151, plus strand): 5'-CACCTGTTCTCTCCTTCCCCATCTAGGAAACCTGTGGGAACAGTTGAAGGATGATAGCTT[G>T]GCCCTCGACCCCCTGGTACTGGTGACCTCATCCCCGACATCATCTTCGATGCCACCACCC-3'
Protein context (NP_001356298.1, residues 544-564): NLWEQLKDDS[Leu554Phe]ALDPLVLVTS